The following continues an entry in ClinVar:

NM_007294.4(BRCA1):c.4035del (p.Glu1346fs)

ClinVar aggregate classification (germline): Pathogenic. Pathogenic (1).

Submissions 10 to 26 of 48:

Ambry Genetics
Classification: Pathogenic for Hereditary cancer-predisposing syndrome. Last evaluated: 2025-05-19. Review status: criteria provided, single submitter. Criteria: Ambry Variant Classification Scheme 2023. Collection method: clinical testing. Allele origin: germline. Not counted in ClinVar's aggregate classification.
Comment: The c.4035delA pathogenic mutation, located in coding exon 9 of the BRCA1 gene, results from a deletion of one nucleotide at nucleotide position 4035, causing a translational frameshift with a predicted alternate stop codon (p.E1346Kfs*20). This mutation has been reported in numerous cases of breast and ovarian cancer (Gayther SA et al. Am. J. Hum. Genet. 1996 Mar;58:451-6; Elsakov P et al. Clin. Genet. 2010 Oct;78:373-6; Uglanitsa N et al. Clin. Genet. 2010 Oct;78:377-80; Cunningham JM et al. Sci. Rep. 2014 Feb;4:4026; Maxwell KN et al. Nat. Commun. 2017 08;8:319; Heramb C et al. Hered Cancer Clin Pract, 2018 Jan;16:3; Yehia L et al. PLoS Genet., 2018 04;14:e1007352; Kowalik A et al. PLoS ONE, 2018 Jul;13:e0201086; Goidescu IG et al. Clujul Med, 2018 Apr;91:157-165). Furthermore, this mutation is regarded as a founder mutation of Baltic origin, with the highest observed frequency in Lithuania (Janavicius R et al. Eur. J. Med. Genet. 2013 Mar;56:125-30). Of note, this alteration is also designated as 4154delA and 4153delA in published literature. In addition to the clinical data presented in the literature, this alteration is expected to result in loss of function by premature protein truncation or nonsense-mediated mRNA decay. As such, this alteration is interpreted as a disease-causing mutation.

Center for Genomic Medicine, Rigshospitalet, Copenhagen University Hospital
Classification: Pathogenic. Last evaluated: 2025-03-04. Review status: criteria provided, single submitter. Criteria: ACMG Guidelines, 2015. Collection method: clinical testing. Allele origin: germline. Not counted in ClinVar's aggregate classification.

Laboratory of Genetics, Children's Clinical University Hospital Latvia
Classification: Pathogenic. Last evaluated: 2025-02-16. Review status: criteria provided, single submitter. Criteria: ACMG Guidelines, 2015. Collection method: clinical testing. Allele origin: germline. Affected: yes. Not counted in ClinVar's aggregate classification.

Mayo Clinic Laboratories, Mayo Clinic
Classification: Pathogenic. Last evaluated: 2024-12-24. Review status: criteria provided, single submitter. Criteria: ACMG Guidelines, 2015. Collection method: clinical testing. Allele origin: germline. Observed: 3 variant alleles. Not counted in ClinVar's aggregate classification.
Comment: PM5_strong, PS4, PVS1

Blueprint Genetics
Classification: Pathogenic for BRCA1-related disorders. Last evaluated: 2024-11-22. Review status: criteria provided, single submitter. Criteria: ACMG Guidelines, 2015. Collection method: clinical testing. Allele origin: germline. Affected: yes. Observed: 5 variant alleles. Not counted in ClinVar's aggregate classification.

Genomics and Molecular Medicine Service, East Genomic Laboratory Hub, NHS Genomic Medicine Service
Classification: Pathogenic for Inherited breast cancer and ovarian cancer. Last evaluated: 2024-10-29. Review status: criteria provided, single submitter. Criteria: ACGS Best Practice Guidelines for Variant Classification in Rare Disease 2020. Collection method: clinical testing. Allele origin: germline. Affected: yes. Not counted in ClinVar's aggregate classification.
Comment: PVS1,PS4_Very Strong,PM5_Strong

Cambridge Genomics Laboratory, East Genomic Laboratory Hub, NHS Genomic Medicine Service
Classification: Pathogenic for Inherited breast cancer and ovarian cancer. Last evaluated: 2024-10-21. Review status: criteria provided, single submitter. Criteria: ACGS Best Practice Guidelines for Variant Classification in Rare Disease 2020. Collection method: clinical testing. Allele origin: germline. Affected: yes. Not counted in ClinVar's aggregate classification.
Comment: PVS1,PM2_Supporting,PM5_Strong

Institute of Human Genetics, FAU Erlangen, Friedrich-Alexander-Universität Erlangen-Nürnberg
Classification: Pathogenic. Last evaluated: 2024-10-16. Review status: criteria provided, single submitter. Criteria: Hauer et al. (Genet Med. 2018). Collection method: clinical testing. Allele origin: germline. Inheritance: Unknown mechanism. Affected: yes. Observed: 1 variant allele. Not counted in ClinVar's aggregate classification.
Comment: This variant has been identified by standard clinical testing.

All of Us Research Program, National Institutes of Health
Classification: Pathogenic for BRCA1-related cancer predisposition. Last evaluated: 2024-09-23. Review status: criteria provided, single submitter. Criteria: ACMG Guidelines, 2015. Collection method: clinical testing. Allele origin: germline. Inheritance: Autosomal dominant inheritance. Observed: 3 variant alleles, 3 heterozygotes. Not counted in ClinVar's aggregate classification.
Comment: This variant deletes 1 nucleotide in exon 10 of the BRCA1 gene, creating a frameshift and premature translation stop signal. This variant is also known as 4153delA and 4154delA in the literature according to the BIC nomenclature. This variant is expected to result in an absent or non-functional protein product. This variant has been reported in many individuals affected with breast and ovarian cancer (PMID: 20345474, 24770866, 29785153, 30040829) and is known to be a founder mutation in the Baltic Population (PMID: 23274591). This variant also has been detected in a breast cancer case-control meta-analysis in 11/60466 cases and 0/53461 unaffected individuals (PMID: 33471991; Leiden Open Variation Database DB-ID BRCA1_000791). This variant has been identified in 12/282514 chromosomes in the general population by the Genome Aggregation Database (gnomAD). Loss of BRCA1 function is a known mechanism of disease. Based on the available evidence, this variant is classified as Pathogenic.

This study involves interpretation of variants in research participants for the purpose of population health screening. Participant phenotype was not available at the time of variant classification. Additional details can be found in publication PMID: 35346344, PMCID: PMC8962531

Quest Diagnostics Nichols Institute San Juan Capistrano
Classification: Pathogenic. Last evaluated: 2024-08-22. Review status: criteria provided, single submitter. Criteria: Quest Diagnostics criteria. Collection method: clinical testing. Allele origin: unknown. Not counted in ClinVar's aggregate classification.
Comment: The BRCA1 c.4035del (p.Glu1346Lysfs*20) variant alters the translational reading frame of the BRCA1 mRNA and causes the premature termination of BRCA1 protein synthesis. This variant has been reported in the published literature in numerous individuals with ovarian (PMIDs: 24504028 (2014), 26689913 (2015), 28831036 (2017), 30322717 (2018)) and/or breast (PMIDs: 22009639 (2010), 26689913 (2015), 31159747 (2019), 33471991 (2021)) cancer, as well as individuals with prostate cancer (PMID: 23149842 (2013)). This variant has also been observed in reportedly healthy individuals (PMID: 26681312 (2015)). The frequency of this variant in the general population, 0.000093 (12/129020 chromosomes (Genome Aggregation Database)), is consistent with pathogenicity. Based on the available information, this variant is classified as pathogenic.

Department of Clinical Genetics, Copenhagen University Hospital, Rigshospitalet
Classification: Pathogenic for Breast-ovarian cancer, familial, susceptibility to, 1. Last evaluated: 2024-05-27. Review status: criteria provided, single submitter. Criteria: ACMG Guidelines, 2015. Collection method: clinical testing. Allele origin: germline. Affected: yes. Not counted in ClinVar's aggregate classification.
Comment: PVS1; PM5_PTC_Strong

Baylor Genetics
Classification: Pathogenic for Breast-ovarian cancer, familial, susceptibility to, 1. Last evaluated: 2024-02-19. Review status: criteria provided, single submitter. Criteria: ACMG Guidelines, 2015. Collection method: clinical testing. Allele origin: unknown. Not counted in ClinVar's aggregate classification.

Clinical Genetics Laboratory, Skane University Hospital Lund
Classification: Pathogenic. Last evaluated: 2023-12-12. Review status: criteria provided, single submitter. Criteria: ACMG Guidelines, 2015. Collection method: clinical testing. Allele origin: germline. Affected: yes. Not counted in ClinVar's aggregate classification.

Institute of Human Genetics, University of Leipzig Medical Center
Classification: Pathogenic for Familial cancer of breast. Last evaluated: 2023-01-20. Review status: criteria provided, single submitter. Criteria: ACMG Guidelines, 2015. Collection method: clinical testing. Allele origin: unknown. Affected: yes. Not counted in ClinVar's aggregate classification.
Comment: _x000D_ Criteria applied: PVS1, PS4

Women's Health and Genetics/Laboratory Corporation of America, LabCorp
Classification: Pathogenic for Hereditary breast ovarian cancer syndrome. Last evaluated: 2022-10-21. Review status: criteria provided, single submitter. Criteria: LabCorp Variant Classification Summary - May 2015. Collection method: clinical testing. Allele origin: germline. Not counted in ClinVar's aggregate classification.
Comment: Variant summary: BRCA1 c.4035delA (p.Glu1346LysfsX20) results in a premature termination codon, predicted to cause a truncation of the encoded protein or absence of the protein due to nonsense mediated decay, which are commonly known mechanisms for disease. Truncations downstream of this position have been classified as pathogenic by our laboratory. The variant allele was found at a frequency of 2.8e-05 in 253150 control chromosomes. c.4035delA has been reported in the literature in multiple individuals affected with Hereditary Breast And Ovarian Cancer Syndrome (Gorski_2004, Bogdanova_2010, Rebbeck_2018). These data indicate that the variant is very likely to be associated with disease. To our knowledge, no experimental evidence demonstrating an impact on protein function has been reported. 21 clinical diagnostic laboratories have submitted clinical-significance assessments for this variant to ClinVar after 2014 without evidence for independent evaluation. All laboratories classified the variant as pathogenic. Based on the evidence outlined above, the variant was classified as pathogenic.

Revvity Omics, Revvity
Classification: Pathogenic. Last evaluated: 2022-08-15. Review status: criteria provided, single submitter. Criteria: ACMG Guidelines, 2015. Collection method: clinical testing. Allele origin: germline. Not counted in ClinVar's aggregate classification.

MGZ Medical Genetics Center
Classification: Pathogenic for Breast-ovarian cancer, familial, susceptibility to, 1. Last evaluated: 2022-02-14. Review status: criteria provided, single submitter. Criteria: ACMG Guidelines, 2015. Collection method: clinical testing. Allele origin: germline. Affected: yes. Observed: 1 variant allele. Not counted in ClinVar's aggregate classification.
Comment: ACMG criteria applied: PVS1, PS4_MOD, PM2_SUP